The following is an entry in ClinVar:

ClinVar aggregate classification (germline): Conflicting classifications of pathogenicity. Review status: criteria provided, conflicting classifications (1 of 4 stars). 6 submissions from 4 submitters: Uncertain significance (5); Likely benign (1). Last evaluated 2026-01-20.

Conditions:
Thrombophilia due to thrombin defect (THPH1). Also called: Thrombosis susceptibility; THROMBOPHILIA DUE TO FACTOR 2 DEFECT; Prothrombin-Related Thrombophilia (Factor II); Prothrombin Thrombophilia. Identifiers: MedGen C3160733, MONDO:0008559, OMIM 188050. Disease mechanism: gain of function, loss of function.
Factor V deficiency. Also called: Reduced coagulation factor V activity. Identifiers: Orphanet 326, MedGen C4317320, MONDO:0020586, HP:0003225.
Inborn genetic diseases. Identifiers: MedGen C0950123, MeSH D030342.
Congenital factor V deficiency. Also called: Hereditary factor V deficiency disease; LABILE FACTOR DEFICIENCY; PARAHEMOPHILIA; OWREN PARAHEMOPHILIA. Identifiers: Orphanet 326, MedGen C0015499, MONDO:0009210, OMIM 227400.
Budd-Chiari syndrome (BDCHS). Also called: Hepatic vein obstruction. Identifiers: Orphanet 131, MedGen C0856761, MONDO:0010947, OMIM 600880, HP:0002639.

Allele frequency attached by ClinVar (database versions not stated): ESP Exome Variant Server 0.00008; TOPMed 0.00015; gnomAD 0.00021.
gnomAD v4.1: 243 of 1,613,968 alleles (0.015%); highest among the groups gnomAD compares: Non-Finnish European, 0.01%; no homozygotes.

Submissions (6):

Labcorp Genetics (formerly Invitae), Labcorp
Classification: Likely benign for Congenital factor V deficiency. Last evaluated: 2026-01-20. Review status: criteria provided, single submitter. Criteria: Invitae Variant Classification Sherloc (09022015). Collection method: clinical testing. Allele origin: germline.

Ambry Genetics
Classification: Uncertain significance for Inborn genetic diseases. Last evaluated: 2024-12-20. Review status: criteria provided, single submitter. Criteria: Ambry Variant Classification Scheme 2023. Collection method: clinical testing. Allele origin: germline.
Comment: The p.S955I variant (also known as c.2864G>T), located in coding exon 13 of the F5 gene, results from a G to T substitution at nucleotide position 2864. The serine at codon 955 is replaced by isoleucine, an amino acid with dissimilar properties. This amino acid position is conserved. In addition, this alteration is predicted to be tolerated by in silico analysis. Since supporting evidence is limited at this time, the clinical significance of this alteration remains unclear.

GeneDx
Classification: Uncertain significance. Last evaluated: 2019-09-18. Review status: criteria provided, single submitter. Criteria: GeneDx Variant Classification Process June 2021. Collection method: clinical testing. Allele origin: germline. Affected: yes.
Comment: In silico analysis, which includes protein predictors and evolutionary conservation, supports a deleterious effect; Has not been previously published as pathogenic or benign to our knowledge

Illumina Laboratory Services, Illumina
Classification: Uncertain significance for Congenital factor V deficiency. Last evaluated: 2018-01-13. Review status: criteria provided, single submitter. Criteria: ICSL Variant Classification Criteria 13 December 2019. Collection method: clinical testing. Allele origin: germline.

Illumina Laboratory Services, Illumina
Classification: Uncertain significance for Venous thrombosis. Last evaluated: 2018-01-13. Review status: criteria provided, single submitter. Criteria: ICSL Variant Classification Criteria 13 December 2019. Collection method: clinical testing. Allele origin: germline.

Illumina Laboratory Services, Illumina
Classification: Uncertain significance for Budd-Chiari syndrome. Last evaluated: 2018-01-13. Review status: criteria provided, single submitter. Criteria: ICSL Variant Classification Criteria 13 December 2019. Collection method: clinical testing. Allele origin: germline.

NM_000130.5(F5):c.2864G>T (p.Ser955Ile)

Gene: F5 (coagulation factor V; minus strand). Cytogenetic location: 1q24.2.
Variant type: single nucleotide variant.
Coding change: c.2864G>T on transcript NM_000130.5 (MANE Select); coding-DNA position 2864, G replaced by T.
Protein change: p.Ser955Ile; replaces serine 955 with isoleucine.
Molecular consequence: missense variant.
Genome position (GRCh38, 1-based): chr1:169,542,226, C>A on the plus strand (G>T on the coding strand, the complement: F5 is on the minus strand). VCF-style: chr1-169542226-C-A. GRCh37 (hg19) VCF-style: chr1-169511464-C-A.
Other names: short protein forms S955I.
Identifiers: ClinVar variation 293618 (VCV000293618.13), dbSNP rs199507543, ClinGen allele CA1234019.